The following is an entry in ClinVar:

ClinVar aggregate classification (germline): Uncertain significance. Review status: criteria provided, multiple submitters, no conflicts (2 of 4 stars). 2 submissions from 2 submitters: Uncertain significance (2). Last evaluated 2025-12-31.

Conditions:
Myofibrillar myopathy 5. Also called: Filaminopathy (type); FILAMINOPATHY, AUTOSOMAL DOMINANT. Identifiers: Orphanet 171445, MedGen C1836050, MONDO:0012289, OMIM 609524.
Hypertrophic cardiomyopathy 26. Also called: Cardiomyopathy, familial hypertrophic, 26. Identifiers: Orphanet 75249, MedGen C4310749, MONDO:0014883, OMIM 617047.
Distal myopathy with posterior leg and anterior hand involvement. Also called: WILLIAMS DISTAL MYOPATHY. Identifiers: Orphanet 63273, MedGen C3279722, MONDO:0013550, OMIM 614065.
Cardiovascular phenotype. Identifiers: MedGen CN230736.

Allele frequency attached by ClinVar (database versions not stated): ExAC 0.00001; TOPMed 0.00001.
gnomAD v4.1: 5 of 1,612,472 alleles (0.00031%); highest among the groups gnomAD compares: Admixed American, 0.0017%; no homozygotes.

Submissions (2):

Labcorp Genetics (formerly Invitae), Labcorp
Classification: Uncertain significance for Distal myopathy with posterior leg and anterior hand involvement; Myofibrillar myopathy 5; Hypertrophic cardiomyopathy 26. Last evaluated: 2025-12-31. Review status: criteria provided, single submitter. Criteria: Invitae Variant Classification Sherloc (09022015). Collection method: clinical testing. Allele origin: germline.
Comment: This sequence change replaces threonine, which is neutral and polar, with alanine, which is neutral and non-polar, at codon 1633 of the FLNC protein (p.Thr1633Ala). This variant is present in population databases (rs753311275, gnomAD 0.003%). This variant has not been reported in the literature in individuals affected with FLNC-related conditions. ClinVar contains an entry for this variant (Variation ID: 2178294). Invitae Evidence Modeling of protein sequence and biophysical properties (such as structural, functional, and spatial information, amino acid conservation, physicochemical variation, residue mobility, and thermodynamic stability) has been performed for this missense variant. However, the output from this modeling did not meet the statistical confidence thresholds required to predict the impact of this variant on FLNC protein function. In summary, the available evidence is currently insufficient to determine the role of this variant in disease. Therefore, it has been classified as a Variant of Uncertain Significance.

Ambry Genetics
Classification: Uncertain significance for Cardiovascular phenotype. Last evaluated: 2024-06-23. Review status: criteria provided, single submitter. Criteria: Ambry Variant Classification Scheme 2023. Collection method: clinical testing. Allele origin: germline.
Comment: The p.T1633A variant (also known as c.4897A>G), located in coding exon 28 of the FLNC gene, results from an A to G substitution at nucleotide position 4897. The threonine at codon 1633 is replaced by alanine, an amino acid with similar properties. This amino acid position is conserved. In addition, this alteration is predicted to be tolerated by in silico analysis. Based on the available evidence, the clinical significance of this variant remains unclear.

NM_001458.5(FLNC):c.4897A>G (p.Thr1633Ala)

Gene: FLNC (filamin C; plus strand). Cytogenetic location: 7q32.1.
Variant type: single nucleotide variant.
Coding change: c.4897A>G on transcript NM_001458.5 (MANE Select); coding-DNA position 4897, A replaced by G.
Protein change: p.Thr1633Ala; replaces threonine 1633 with alanine.
Molecular consequence: missense variant.
Genome position (GRCh38, 1-based): chr7:128,848,952, A>G. VCF-style: chr7-128848952-A-G. GRCh37 (hg19) VCF-style: chr7-128489006-A-G.
Other names: c.4897A>G, p.Thr1633Ala (NM_001127487.2); short protein forms T1633A.
Identifiers: ClinVar variation 2178294 (VCV002178294.5), dbSNP rs753311275, ClinGen allele CA4475475.